The following is an entry in ClinVar:

NM_022095.4(ZNF335):c.3556ATC[1] (p.Ile1187del)

Gene: ZNF335 (zinc finger protein 335; minus strand). Cytogenetic location: 20q13.12.
Variant type: Microsatellite.
Coding change: c.3556ATC[1] on transcript NM_022095.4 (MANE Select); one copy of the 3-base unit ATC starting at c.3556; the reference has two copies in a row; one copy, 3 bases deleted.
Protein change: p.Ile1187del; deletes isoleucine 1187.
Molecular consequence: inframe deletion.
Genome position (GRCh38, 1-based): chr20:45,949,996-45,949,998, GAT deleted on the plus strand (ATC on the coding strand, the reverse complement: ZNF335 is on the minus strand); deleting any 3 consecutive bases within chr20:45,949,996-45,950,002 gives the same sequence; the position shown is the placement nearest the transcript's 3' end. VCF-style (leftmost placement, unchanged base first): chr20-45949995-CGAT-C. GRCh37 (hg19) VCF-style: chr20-44578634-CGAT-C.
Other names: short protein forms I1187del.
Identifiers: ClinVar variation 2652353 (VCV002652353.24), dbSNP rs1182218272, ClinGen allele CA636176202.

ClinVar aggregate classification (germline): Uncertain significance (1 of 4 stars; one submission).

Submission:

CeGaT Center for Human Genetics Tuebingen
Classification: Uncertain significance. Last evaluated: 2023-03-01. Review status: criteria provided, single submitter. Criteria: CeGaT Center For Human Genetics Tuebingen Variant Classification Criteria Version 2. Collection method: clinical testing. Allele origin: germline. Affected: yes. Observed: 1 variant allele.
Comment: ZNF335: PM2